The following is an entry in ClinVar:

NM_003118.4(SPARC):c.120+4T>C

Gene: SPARC (secreted protein acidic and cysteine rich; minus strand). Cytogenetic location: 5q33.1.
Variant type: single nucleotide variant.
Coding change: c.120+4T>C on transcript NM_003118.4 (MANE Select); 4 bases into the intron after coding-DNA position 120, T replaced by C.
Molecular consequence: intron variant.
Genome position (GRCh38, 1-based): chr5:151,674,608, A>G on the plus strand (T>C on the coding strand, the complement: SPARC is on the minus strand). VCF-style: chr5-151674608-A-G. GRCh37 (hg19) VCF-style: chr5-151054169-A-G.
Other names: c.117+4T>C (NM_001309443.2); c.120+4T>C (NM_001309444.2).
Identifiers: ClinVar variation 2111663 (VCV002111663.2), dbSNP rs752039651, ClinGen allele CA3522825.

ClinVar aggregate classification (germline): Uncertain significance (1 of 4 stars; one submission).

Allele frequency attached by ClinVar (database versions not stated): gnomAD exomes below 0.00001; TOPMed below 0.00001; ExAC 0.00001; gnomAD 0.00001.
gnomAD v4.1: 2 of 1,613,810 alleles (0.00012%); highest among the groups gnomAD compares: Non-Finnish European, 0.00017%; no homozygotes.

Submission:

Labcorp Genetics (formerly Invitae), Labcorp
Classification: Uncertain significance. Last evaluated: 2022-03-14. Review status: criteria provided, single submitter. Criteria: Invitae Variant Classification Sherloc (09022015). Collection method: clinical testing. Allele origin: germline.
Comment: In summary, the available evidence is currently insufficient to determine the role of this variant in disease. Therefore, it has been classified as a Variant of Uncertain Significance. Variants that disrupt the consensus splice site are a relatively common cause of aberrant splicing (PMID: 17576681, 9536098). Algorithms developed to predict the effect of sequence changes on RNA splicing suggest that this variant is not likely to affect RNA splicing. This variant has not been reported in the literature in individuals affected with SPARC-related conditions. This variant is present in population databases (rs752039651, gnomAD 0.0009%). This sequence change falls in intron 3 of the SPARC gene. It does not directly change the encoded amino acid sequence of the SPARC protein. It affects a nucleotide within the consensus splice site.

Literature cited by the submitters: PubMed 17576681; PubMed 9536098.